The following is an entry in ClinVar:

NM_133372.3(FNIP1):c.1174C>T (p.Arg392Ter)

Gene: FNIP1 (folliculin interacting protein 1; minus strand). Cytogenetic location: 5q31.1.
Variant type: single nucleotide variant.
Coding change: c.1174C>T on transcript NM_133372.3 (MANE Select); coding-DNA position 1174, C replaced by T.
Protein change: p.Arg392Ter; replaces arginine 392 with a stop codon.
Molecular consequence: nonsense.
Genome position (GRCh38, 1-based): chr5:131,698,945, G>A on the plus strand (C>T on the coding strand, the complement: FNIP1 is on the minus strand). VCF-style: chr5-131698945-G-A. GRCh37 (hg19) VCF-style: chr5-131034638-G-A.
Other names: c.1090C>T, p.Arg364Ter (NM_001008738.3); c.1174C>T, p.Arg392Ter (NM_001346113.2); c.1039C>T, p.Arg347Ter (NM_001346114.2); short protein forms R347*, R364*, R392*.
Identifiers: ClinVar variation 2839600 (VCV002839600.3), dbSNP rs1768796944, ClinGen allele CA360798488.
Genomic context (GRCh38, chr5:131,698,945, plus strand): 5'-TACTGCATTATGGAAAGCTGGGCAATATGTACCTGAATTCATTTAGGGCATCAACTATTC[G>A]ATTATATGCCAAACTTCTCTGACTGGCATCAGCTGATCTCCGGCTCATTTTCATAGCCTT-3'

ClinVar aggregate classification (germline): Pathogenic (1 of 4 stars; one submission).

Submission:

Labcorp Genetics (formerly Invitae), Labcorp
Classification: Pathogenic. Last evaluated: 2023-11-24. Review status: criteria provided, single submitter. Criteria: Invitae Variant Classification Sherloc (09022015). Collection method: clinical testing. Allele origin: germline.
Comment: This sequence change creates a premature translational stop signal (p.Arg392*) in the FNIP1 gene. It is expected to result in an absent or disrupted protein product. Loss-of-function variants in FNIP1 are known to be pathogenic (PMID: 32181500, 32905580). This variant is not present in population databases (gnomAD no frequency). This variant has not been reported in the literature in individuals affected with FNIP1-related conditions. Algorithms developed to predict the effect of sequence changes on RNA splicing suggest that this variant may disrupt the consensus splice site. For these reasons, this variant has been classified as Pathogenic.

Literature cited by the submitters: PubMed 32181500; PubMed 32905580.